The following is an entry in ClinVar:

NM_003235.5(TG):c.6498T>C (p.Ser2166=)

Gene: TG (thyroglobulin; plus strand). Cytogenetic location: 8q24.22.
Variant type: single nucleotide variant.
Coding change: c.6498T>C on transcript NM_003235.5 (MANE Select); coding-DNA position 6498, T replaced by C.
Protein change: p.Ser2166=; no amino-acid change (serine 2166 retained).
Molecular consequence: synonymous variant.
Genome position (GRCh38, 1-based): chr8:133,013,700, T>C. VCF-style: chr8-133013700-T-C. GRCh37 (hg19) VCF-style: chr8-134025945-T-C.
Identifiers: ClinVar variation 708930 (VCV000708930.35), dbSNP rs200367054, ClinGen allele CA4884929.

ClinVar aggregate classification (germline): Conflicting classifications of pathogenicity. Review status: criteria provided, conflicting classifications (1 of 4 stars). 3 submissions from 3 submitters: Uncertain significance (1); Likely benign (2). Last evaluated 2024-03-10.

Conditions:
Iodotyrosyl coupling defect (TDH3). Also called: THYROID HORMONOGENESIS, GENETIC DEFECT IN, 3; HYPOTHYROIDISM, CONGENITAL, DUE TO DYSHORMONOGENESIS, 3. Identifiers: Orphanet 95716, MedGen C0342194, MONDO:0010135, OMIM 274700.

Allele frequency attached by ClinVar (database versions not stated): ExAC 0.00008; gnomAD exomes 0.00008 and 0.00010; gnomAD 0.00009; TOPMed 0.00011; 1000 Genomes Project 30x 0.00016; 1000 Genomes Project 0.00020.
gnomAD v4.1: 141 of 1,614,102 alleles (0.0087%); highest among the groups gnomAD compares: Middle Eastern, 0.066%; no homozygotes.

Submissions (3):

Labcorp Genetics (formerly Invitae), Labcorp
Classification: Likely benign. Last evaluated: 2024-03-10. Review status: criteria provided, single submitter. Criteria: Invitae Variant Classification Sherloc (09022015). Collection method: clinical testing. Allele origin: germline.

CeGaT Center for Human Genetics Tuebingen
Classification: Likely benign. Last evaluated: 2022-08-01. Review status: criteria provided, single submitter. Criteria: CeGaT Center For Human Genetics Tuebingen Variant Classification Criteria Version 2. Collection method: clinical testing. Allele origin: germline. Affected: yes. Observed: 1 variant allele.
Comment: TG: BP4, BP7

Illumina Laboratory Services, Illumina
Classification: Uncertain significance for Iodotyrosyl coupling defect. Last evaluated: 2018-01-13. Review status: criteria provided, single submitter. Criteria: ICSL Variant Classification Criteria 13 December 2019. Collection method: clinical testing. Allele origin: germline.